The following is an entry in ClinVar:

ClinVar aggregate classification (germline): not provided (0 of 4 stars; one submission).

Conditions:
Preeclampsia. Identifiers: Orphanet 275555, MedGen C0032914, MONDO:0005081, HP:0100602.

Submission:

Institute of Molecular and Cell Biology, University of Tartu
No classification provided. Condition: Preeclampsia. Review status: no classification provided. Collection method: case-control. Allele origin: unknown. Affected: yes. Study: Kasak2014.
Comment: The study aimed to determine the contribution of copy number variants in the genetic etiology of normal and complicated pregnancies. The samples represented (i) maternal blood DNA drawn from healthy pregnant women during 1st or 2nd trimester and (ii) maternal and paternal blood DNA drawn at term pregnancy cases representing normal and complicated gestations (severe preeclampsia, PE; gestational diabetes, GD; small-for-gestational age newborn, SGA; large-for-gestational age newborn, LGA). We performed CNV calling based on genome-wide genotyping dataset (Illumina HumanOmniExpress-24-v1 BeadChip) by applying three algorithms, QuantiSNP, GADA (Genome Alteration Detection Algorithm) and CNstream in parallel. The acquired CNV calls were merged with HD-CNV (Hotspot Detector for Copy Number Variants) program and only the CNVs predicted by at least two programs, were considered in subsequent analysis.

Literature cited by the submitters: PubMed 25666259.

NC_000011.10:g.8937474_8943392del

Gene: ASCL3 (achaete-scute family bHLH transcription factor 3; minus strand). Cytogenetic location: 11p15.4.
Variant type: Deletion.
Genome position: GRCh38: chr11:8,937,474-8,943,392. GRCh37 (hg19): chr11:8,959,021-8,964,939.
Identifiers: ClinVar variation 157195 (VCV000157195.3), ClinGen allele CA212289.